The following is an entry in ClinVar:

ClinVar aggregate classification (germline): Uncertain significance (1 of 4 stars; one submission).

Submission:

Ambry Genetics
Classification: Uncertain significance. Last evaluated: 2025-12-17. Review status: criteria provided, single submitter. Criteria: Ambry Variant Classification Scheme 2023. Collection method: clinical testing. Allele origin: germline.
Comment: The p.D596V variant (also known as c.1787A>T), located in coding exon 18 of the SRP72 gene, results from an A to T substitution at nucleotide position 1787. The aspartic acid at codon 596 is replaced by valine, an amino acid with highly dissimilar properties. This amino acid position is conserved. In addition, the in silico prediction for this alteration is inconclusive. Based on the available evidence, the clinical significance of this variant remains unclear.

NM_006947.4(SRP72):c.1787A>T (p.Asp596Val)

Gene: SRP72 (signal recognition particle 72; plus strand). Cytogenetic location: 4q12.
Variant type: single nucleotide variant.
Coding change: c.1787A>T on transcript NM_006947.4 (MANE Select); coding-DNA position 1787, A replaced by T.
Protein change: p.Asp596Val; replaces aspartic acid 596 with valine.
Molecular consequence: missense variant. On other transcripts: non-coding transcript variant (1).
Genome position (GRCh38, 1-based): chr4:56,500,644, A>T. VCF-style: chr4-56500644-A-T. GRCh37 (hg19) VCF-style: chr4-57366810-A-T.
Other names: c.1604A>T, p.Asp535Val (NM_001267722.2); short protein forms D596V, D535V.
Identifiers: ClinVar variation 4841443 (VCV004841443.1).